The following is an entry in ClinVar:

NM_001136139.4(TCF3):c.1634G>A (p.Arg545Gln)

Gene: TCF3 (transcription factor 3; minus strand). Cytogenetic location: 19p13.3.
Variant type: single nucleotide variant.
Coding change: c.1634G>A on transcript NM_001136139.4 (MANE Plus Clinical); coding-DNA position 1634, G replaced by A.
Protein change: p.Arg545Gln; replaces arginine 545 with glutamine.
Molecular consequence: missense variant. On other transcripts: intron variant (2).
Genome position (GRCh38, 1-based): chr19:1,612,386, C>T on the plus strand (G>A on the coding strand, the complement: TCF3 is on the minus strand). VCF-style: chr19-1612386-C-T. GRCh37 (hg19) VCF-style: chr19-1612385-C-T.
Other names: c.1634G>A, p.Arg545Gln (NM_001351779.2); c.1820-537G>A (NM_001351778.2); c.1823-537G>A (NM_003200.5); short protein forms R545Q.
Identifiers: ClinVar variation 2634730 (VCV002634730.4), dbSNP rs771217540, ClinGen allele CA9049598.

ClinVar aggregate classification (germline): Uncertain significance. Review status: criteria provided, multiple submitters, no conflicts (2 of 4 stars). 2 submissions from 2 submitters: Uncertain significance (2). Last evaluated 2025-08-18.

Conditions:
TCF3-related disorder. Also called: TCF3-related condition.

Allele frequency attached by ClinVar (database versions not stated): gnomAD 0.00001; ExAC 0.00006; TOPMed 0.00003.
gnomAD v4.1: 59 of 1,611,268 alleles (0.0037%); highest among the groups gnomAD compares: Non-Finnish European, 0.0048%; no homozygotes.

Submissions (2):

Labcorp Genetics (formerly Invitae), Labcorp
Classification: Uncertain significance. Last evaluated: 2025-08-18. Review status: criteria provided, single submitter. Criteria: Invitae Variant Classification Sherloc (09022015). Collection method: clinical testing. Allele origin: germline.
Comment: The TCF3 gene has multiple clinically relevant transcripts. This variant occurs in alternate transcript NM_001136139.3, and corresponds to NM_003200.4:c.1823-537G>A in the primary transcript. This sequence change replaces arginine, which is basic and polar, with glutamine, which is neutral and polar, at codon 545 of the TCF3 protein (p.Arg545Gln). This variant is present in population databases (rs771217540, gnomAD 0.006%). This variant has not been reported in the literature in individuals affected with TCF3-related conditions. ClinVar contains an entry for this variant (Variation ID: 2634730). Experimental studies and prediction algorithms are not available or were not evaluated, and the functional significance of this variant is currently unknown. Algorithms developed to predict the effect of sequence changes on RNA splicing suggest that this variant is not likely to affect RNA splicing. In summary, the available evidence is currently insufficient to determine the role of this variant in disease. Therefore, it has been classified as a Variant of Uncertain Significance.

PreventionGenetics, part of Exact Sciences
Classification: Uncertain significance for TCF3-related condition. Last evaluated: 2023-06-28. Review status: criteria provided, single submitter. Criteria: ACMG Guidelines, 2015. Collection method: clinical testing. Allele origin: germline.
Comment: The TCF3 c.1634G>A variant is predicted to result in the amino acid substitution p.Arg545Gln. This variant has been reported in a study of individuals with diffuse large B-cell lymphoma (DLBCL), however other variants in TCF3 and in other genes were also present (UPN 5, Bastos-Oreiro et al. 2021. PubMed ID: 34819573). This variant is reported in 0.0065% of alleles in individuals of South Asian descent in gnomAD. At this time, the clinical significance of this variant is uncertain due to the absence of conclusive functional and genetic evidence.